The following is an entry in ClinVar:

ClinVar aggregate classification (germline): Uncertain significance (1 of 4 stars; one submission).

Conditions:
Hypertrophic cardiomyopathy 4. Also called: Familial hypertrophic cardiomyopathy 4. Identifiers: MedGen C1861862, MONDO:0007268, OMIM 115197.

Submission:

3billion
Classification: Uncertain significance for Hypertrophic cardiomyopathy 4. Last evaluated: 2025-06-25. Review status: criteria provided, single submitter. Criteria: ACMG Guidelines, 2015. Collection method: clinical testing. Allele origin: germline. Affected: yes.
Comment: The variant is observed at an extremely low frequency in the gnomAD v4.1.0 dataset (total allele frequency: <0.001%). Predicted Consequence/Location: Missense variant In silico tool predictions suggest damaging effect of the variant on gene or gene product [3Cnet: 0.79 (> 0.75, sensitivity 0.96 and precision 0.92)]. Therefore, this variant is classified as VUS according to the recommendation of ACMG/AMP guideline.

NM_000256.3(MYBPC3):c.3320A>G (p.Lys1107Arg)

Gene: MYBPC3 (myosin binding protein C3; minus strand). Cytogenetic location: 11p11.2.
Variant type: single nucleotide variant.
Coding change: c.3320A>G on transcript NM_000256.3 (MANE Select); coding-DNA position 3320, A replaced by G.
Protein change: p.Lys1107Arg; replaces lysine 1107 with arginine.
Molecular consequence: missense variant.
Genome position (GRCh38, 1-based): chr11:47,333,204, T>C on the plus strand (A>G on the coding strand, the complement: MYBPC3 is on the minus strand). VCF-style: chr11-47333204-T-C. GRCh37 (hg19) VCF-style: chr11-47354755-T-C.
Other names: short protein forms K1107R.
Identifiers: ClinVar variation 4855768 (VCV004855768.1).